The following is an entry in ClinVar:

ClinVar aggregate classification (germline): Uncertain significance (1 of 4 stars; one submission).

Submission:

Labcorp Genetics (formerly Invitae), Labcorp
Classification: Uncertain significance. Last evaluated: 2024-06-26. Review status: criteria provided, single submitter. Criteria: Invitae Variant Classification Sherloc (09022015). Collection method: clinical testing. Allele origin: germline.
Comment: This sequence change affects codon 123 of the POU3F4 mRNA. It is a 'silent' change, meaning that it does not change the encoded amino acid sequence of the POU3F4 protein. This variant is not present in population databases (gnomAD no frequency). This variant has not been reported in the literature in individuals affected with POU3F4-related conditions. In summary, the available evidence is currently insufficient to determine the role of this variant in disease. Therefore, it has been classified as a Variant of Uncertain Significance.

NM_000307.5(POU3F4):c.369T>C (p.Ser123=)

Gene: POU3F4 (POU class 3 homeobox 4; plus strand). Cytogenetic location: Xq21.1.
Variant type: single nucleotide variant.
Coding change: c.369T>C on transcript NM_000307.5 (MANE Select); coding-DNA position 369, T replaced by C.
Protein change: p.Ser123=; no amino-acid change (serine 123 retained).
Molecular consequence: synonymous variant.
Genome position (GRCh38, 1-based): chrX:83,508,693, T>C. VCF-style: chrX-83508693-T-C. GRCh37 (hg19) VCF-style: chrX-82763701-T-C.
Identifiers: ClinVar variation 3714649 (VCV003714649.2).